The following is an entry in ClinVar:

ClinVar aggregate classification (germline): Uncertain significance (1 of 4 stars; one submission).

gnomAD v4.1: 2 of 1,606,064 alleles (0.00012%); highest among the groups gnomAD compares: South Asian, 0.0011%; no homozygotes.

Submission:

Labcorp Genetics (formerly Invitae), Labcorp
Classification: Uncertain significance. Last evaluated: 2025-12-15. Review status: criteria provided, single submitter. Criteria: Invitae Variant Classification Sherloc (09022015). Collection method: clinical testing. Allele origin: germline.
Comment: This sequence change replaces histidine, which is basic and polar, with asparagine, which is neutral and polar, at codon 86 of the TBX6 protein (p.His86Asn). This variant is not present in population databases (gnomAD no frequency). This variant has not been reported in the literature in individuals affected with TBX6-related conditions. Invitae Evidence Modeling of protein sequence and biophysical properties (such as structural, functional, and spatial information, amino acid conservation, physicochemical variation, residue mobility, and thermodynamic stability) indicates that this missense variant is not expected to disrupt TBX6 protein function with a negative predictive value of 80%. In summary, the available evidence is currently insufficient to determine the role of this variant in disease. Therefore, it has been classified as a Variant of Uncertain Significance.

NM_004608.4(TBX6):c.256C>A (p.His86Asn)

Gene: TBX6 (T-box transcription factor 6; minus strand). Cytogenetic location: 16p11.2.
Variant type: single nucleotide variant.
Coding change: c.256C>A on transcript NM_004608.4 (MANE Select); coding-DNA position 256, C replaced by A.
Protein change: p.His86Asn; replaces histidine 86 with asparagine.
Molecular consequence: missense variant.
Genome position (GRCh38, 1-based): chr16:30,090,855, G>T on the plus strand (C>A on the coding strand, the complement: TBX6 is on the minus strand). VCF-style: chr16-30090855-G-T. GRCh37 (hg19) VCF-style: chr16-30102176-G-T.
Other names: short protein forms H86N.
Identifiers: ClinVar variation 4762708 (VCV004762708.1).